The following is an entry in ClinVar:

NM_000492.4(CFTR):c.3185_3191del (p.Leu1062fs)

Genes: CFTR (CF transmembrane conductance regulator; plus strand), CFTR-AS2 (CFTR antisense RNA 2; minus strand), LOC111674472 (DNase I hypersensitive sites in introns 16 and 17a of CFTR; plus strand). Cytogenetic location: 7q31.2.
Variant type: Deletion.
Coding change: c.3185_3191del on transcript NM_000492.4 (MANE Select); coding-DNA positions 3185 to 3191, 7 bases deleted (TATGGAC; older notation c.3185_3191delTATGGAC).
Protein change: p.Leu1062fs; shifts the reading frame from leucine 1062.
Molecular consequence: frameshift variant.
Genome position (GRCh38, 1-based): chr7:117,611,626-117,611,632, TATGGAC deleted; deleting any 7 consecutive bases within chr7:117,611,622-117,611,632 gives the same sequence; the c. name uses the placement nearest the transcript's 3' end. VCF-style (leftmost placement, unchanged base first): chr7-117611621-AGGACTAT-A. GRCh37 (hg19) VCF-style: chr7-117251675-AGGACTAT-A.
Other names: short protein forms L1062fs.
Identifiers: ClinVar variation 1361726 (VCV001361726.6), dbSNP rs2116084282, ClinGen allele CA2573141588.

ClinVar aggregate classification (germline): Pathogenic (1 of 4 stars; one submission).

Conditions:
Cystic fibrosis (CF). Also called: MUCOVISCIDOSIS. Identifiers: Orphanet 586, MedGen C0010674, MONDO:0009061, OMIM 219700. Disease mechanism: loss of function.

Submission:

Labcorp Genetics (formerly Invitae), Labcorp
Classification: Pathogenic for Cystic fibrosis. Last evaluated: 2022-02-02. Review status: criteria provided, single submitter. Criteria: Invitae Variant Classification Sherloc (09022015). Collection method: clinical testing. Allele origin: germline.
Comment: For these reasons, this variant has been classified as Pathogenic. This variant has not been reported in the literature in individuals affected with CFTR-related conditions. This variant is not present in population databases (gnomAD no frequency). This sequence change creates a premature translational stop signal (p.Leu1062Hisfs*19) in the CFTR gene. It is expected to result in an absent or disrupted protein product. Loss-of-function variants in CFTR are known to be pathogenic (PMID: 1695717, 7691345, 9725922).

Literature cited by the submitters: PubMed 1695717; PubMed 7691345; PubMed 9725922.